The following is an entry in ClinVar:

NM_021954.4(GJA3):c.*2870C>T

Gene: GJA3 (gap junction protein alpha 3; minus strand). Cytogenetic location: 13q12.11.
Variant type: single nucleotide variant.
Coding change: c.*2870C>T on transcript NM_021954.4 (MANE Select); 2870 bases downstream of the stop codon, C replaced by T.
Molecular consequence: 3 prime UTR variant.
Genome position (GRCh38, 1-based): chr13:20,139,111, G>A on the plus strand (C>T on the coding strand, the complement: GJA3 is on the minus strand). VCF-style: chr13-20139111-G-A. GRCh37 (hg19) VCF-style: chr13-20713250-G-A.
Identifiers: ClinVar variation 311291 (VCV000311291.5), dbSNP rs575352846, ClinGen allele CA10633939.

ClinVar aggregate classification (germline): Benign (1 of 4 stars; one submission).

Conditions:
Cataract 14 multiple types. Also called: CATARACT 14, ZONULAR PULVERULENT; CATARACT 14, NUCLEAR PULVERULENT; CATARACT 14, NUCLEAR PULVERULENT AND POSTERIOR POLAR; CATARACT 14, NUCLEAR CORALLIFORM; CATARACT 14, EMBRYONAL NUCLEAR; CATARACT 14, COPPOCK-LIKE. Identifiers: Orphanet 91492, MedGen C1866078, MONDO:0011162, OMIM 601885.

Allele frequency attached by ClinVar (database versions not stated): 1000 Genomes Project 0.00160; gnomAD 0.00160 and 0.00154; 1000 Genomes Project 30x 0.00156; TOPMed 0.00171.
gnomAD v4.1: 230 of 152,166 alleles (0.15%); highest among the groups gnomAD compares: African/African-American, 0.53%; no homozygotes.

Submission:

Illumina Laboratory Services, Illumina
Classification: Benign for Cataract 14 multiple types. Last evaluated: 2018-01-12. Review status: criteria provided, single submitter. Criteria: ICSL Variant Classification Criteria 13 December 2019. Collection method: clinical testing. Allele origin: germline.
Comment: This variant was observed in the ICSL laboratory as part of a predisposition screen in an ostensibly healthy population. It had not been previously curated by ICSL or reported in the Human Gene Mutation Database (HGMD: prior to June 1st, 2018), and was therefore a candidate for classification through an automated scoring system. Utilizing variant allele frequency, disease prevalence and penetrance estimates, and inheritance mode, an automated score was calculated to assess if this variant is too frequent to cause the disease. Based on the score and internal cut-off values, a variant classified as benign is not then subjected to further curation. The score for this variant resulted in a classification of benign for this disease.